The following is an entry in ClinVar:

NM_020708.5(SLC12A5):c.3330G>A (p.Glu1110=)

Genes: SLC12A5 (solute carrier family 12 member 5; plus strand), LOC113960611 (Sharpr-MPRA regulatory region 3425; plus strand). Cytogenetic location: 20q13.12.
Variant type: single nucleotide variant.
Coding change: c.3330G>A on transcript NM_020708.5 (MANE Select); coding-DNA position 3330, G replaced by A.
Protein change: p.Glu1110=; no amino-acid change (glutamic acid 1110 retained).
Molecular consequence: synonymous variant.
Genome position (GRCh38, 1-based): chr20:46,057,584, G>A. VCF-style: chr20-46057584-G-A. GRCh37 (hg19) VCF-style: chr20-44686223-G-A.
Other names: c.3399G>A, p.Glu1133= (NM_001134771.2).
Identifiers: ClinVar variation 1033951 (VCV001033951.1), dbSNP rs1394912099, ClinGen allele CA510657783.

ClinVar aggregate classification (germline): Uncertain significance (1 of 4 stars; one submission).

Conditions:
Developmental and epileptic encephalopathy, 34 (DEE34). Also called: SLC12A5-Related Epilepsy of Infancy with Migrating Focal Seizures; Early infantile epileptic encephalopathy 34. Identifiers: Orphanet 293181, MedGen C4225257, MONDO:0014718, OMIM 616645.

Allele frequency attached by ClinVar (database versions not stated): gnomAD exomes below 0.00001; gnomAD 0.00001; TOPMed 0.00001.
gnomAD v4.1: 9 of 1,613,756 alleles (0.00056%); highest among the groups gnomAD compares: Non-Finnish European, 0.00076%; no homozygotes.

Submission:

Baylor Genetics
Classification: Uncertain significance for Developmental and epileptic encephalopathy, 34. Last evaluated: 2018-01-22. Review status: criteria provided, single submitter. Criteria: ACMG Guidelines, 2015. Collection method: clinical testing. Allele origin: paternal. Affected: yes.
Comment: This variant was determined to be of uncertain significance according to ACMG Guidelines, 2015 [PMID:25741868].